The following is an entry in ClinVar:

NM_207122.2(EXT2):c.1409T>C (p.Phe470Ser)

Genes: EXT2 (exostosin glycosyltransferase 2; plus strand), LOC126861201 (MED14-independent group 3 enhancer GRCh37_chr11:44218806-44220005; plus strand). Cytogenetic location: 11p11.2.
Variant type: single nucleotide variant.
Coding change: c.1409T>C on transcript NM_207122.2 (MANE Select); coding-DNA position 1409, T replaced by C.
Protein change: p.Phe470Ser; replaces phenylalanine 470 with serine.
Molecular consequence: missense variant.
Genome position (GRCh38, 1-based): chr11:44,197,932, T>C. VCF-style: chr11-44197932-T-C. GRCh37 (hg19) VCF-style: chr11-44219482-T-C.
Other names: c.1508T>C, p.Phe503Ser (NM_000401.3); c.1439T>C, p.Phe480Ser (NM_001178083.3); c.1409T>C, p.Phe470Ser (NM_001389628.1, NM_001389630.1); short protein forms F480S, F470S, F503S.
Identifiers: ClinVar variation 1397399 (VCV001397399.7), dbSNP rs1360036719, ClinGen allele CA380179134.

ClinVar aggregate classification (germline): Uncertain significance (1 of 4 stars; one submission).

Conditions:
Exostoses, multiple, type 2 (EXT2). Also called: Hereditary Multiple Osteochondromatosis, Type II; EXOSTOSES, MULTIPLE, TYPE II. Identifiers: Orphanet 321, MedGen C1851413, MONDO:0007586, OMIM 133701.

Allele frequency attached by ClinVar (database versions not stated): gnomAD exomes below 0.00001 and 0.00001; TOPMed below 0.00001.
gnomAD v4.1: 2 of 1,614,076 alleles (0.00012%); highest among the groups gnomAD compares: Admixed American, 0.0033%; no homozygotes.

Submission:

Labcorp Genetics (formerly Invitae), Labcorp
Classification: Uncertain significance for Exostoses, multiple, type 2. Last evaluated: 2025-03-17. Review status: criteria provided, single submitter. Criteria: Invitae Variant Classification Sherloc (09022015). Collection method: clinical testing. Allele origin: germline.
Comment: This sequence change replaces phenylalanine, which is neutral and non-polar, with serine, which is neutral and polar, at codon 470 of the EXT2 protein (p.Phe470Ser). This variant is present in population databases (no rsID available, gnomAD 0.006%). This variant has not been reported in the literature in individuals affected with EXT2-related conditions. ClinVar contains an entry for this variant (Variation ID: 1397399). Invitae Evidence Modeling of protein sequence and biophysical properties (such as structural, functional, and spatial information, amino acid conservation, physicochemical variation, residue mobility, and thermodynamic stability) has been performed for this missense variant. However, the output from this modeling did not meet the statistical confidence thresholds required to predict the impact of this variant on EXT2 protein function. In summary, the available evidence is currently insufficient to determine the role of this variant in disease. Therefore, it has been classified as a Variant of Uncertain Significance.